The following is an entry in ClinVar:

NM_001349338.3(FOXP1):c.180+3dup

Gene: FOXP1 (forkhead box P1; minus strand). Cytogenetic location: 3p13.
Variant type: Duplication.
Coding change: c.180+3dup on transcript NM_001349338.3 (MANE Select); 3 bases into the intron after coding-DNA position 180, one base duplicated (A; older notation c.180+3dupA).
Molecular consequence: intron variant.
Genome position (GRCh38, 1-based): chr3:71,198,199, T duplicated on the plus strand (A on the coding strand, the reverse complement: FOXP1 is on the minus strand). VCF-style (leftmost placement, unchanged base first): chr3-71198198-G-GT. GRCh37 (hg19) VCF-style: chr3-71247349-G-GT.
Other names: c.180+3dup (NM_001012505.2, NM_001244810.2, NM_032682.6 and 6 more transcripts).
Identifiers: ClinVar variation 3695727 (VCV003695727.2).

ClinVar aggregate classification (germline): Uncertain significance (1 of 4 stars; one submission).

Submission:

Labcorp Genetics (formerly Invitae), Labcorp
Classification: Uncertain significance. Last evaluated: 2024-05-29. Review status: criteria provided, single submitter. Criteria: Invitae Variant Classification Sherloc (09022015). Collection method: clinical testing. Allele origin: germline.
Comment: This sequence change falls in intron 6 of the FOXP1 gene. It does not directly change the encoded amino acid sequence of the FOXP1 protein. It affects a nucleotide within the consensus splice site. This variant is not present in population databases (gnomAD no frequency). This variant has not been reported in the literature in individuals affected with FOXP1-related conditions. Variants that disrupt the consensus splice site are a relatively common cause of aberrant splicing (PMID: 17576681, 9536098). Algorithms developed to predict the effect of sequence changes on RNA splicing suggest that this variant is not likely to affect RNA splicing. In summary, the available evidence is currently insufficient to determine the role of this variant in disease. Therefore, it has been classified as a Variant of Uncertain Significance.

Literature cited by the submitters: PubMed 17576681; PubMed 9536098.